The following is an entry in ClinVar:

NM_001282225.2(ADA2):c.461G>A (p.Arg154His)

Gene: ADA2 (adenosine deaminase 2; minus strand). Cytogenetic location: 22q11.1.
Variant type: single nucleotide variant.
Coding change: c.461G>A on transcript NM_001282225.2 (MANE Select); coding-DNA position 461, G replaced by A.
Protein change: p.Arg154His; replaces arginine 154 with histidine.
Molecular consequence: missense variant.
Genome position (GRCh38, 1-based): chr22:17,207,152, C>T on the plus strand (G>A on the coding strand, the complement: ADA2 is on the minus strand). VCF-style: chr22-17207152-C-T. GRCh37 (hg19) VCF-style: chr22-17688042-C-T.
Other names: c.461G>A, p.Arg154His (NM_001282226.2); c.335G>A, p.Arg112His (NM_001282227.2, NM_001282228.2); c.101G>A, p.Arg34His (NM_001282229.2); short protein forms R112H, R34H, R154H.
Identifiers: ClinVar variation 650936 (VCV000650936.9), dbSNP rs545602214, ClinGen allele CA10088227.
Genomic context (GRCh38, chr22:17,207,152, plus strand): 5'-TTCTGCACCCGCTTCCGATAATCCTCCAGCAGAATCCACTTGGAACATTTTTCTGATGGA[C>T]GGGGAGTTGGGTGAGCAAATCTGAACTGCATGATCCCCCTTGGGGTGAAACAGATGTGGC-3'
Protein context (NP_001269154.1, residues 144-164): MQFRFAHPTP[Arg154His]PSEKCSKWIL

ClinVar aggregate classification (germline): Uncertain significance. Review status: criteria provided, multiple submitters, no conflicts (2 of 4 stars). 2 submissions from 2 submitters: Uncertain significance (2). Last evaluated 2024-07-10.

Conditions:
Sneddon syndrome (SNDNS). Also called: LIVEDO RETICULARIS AND CEREBROVASCULAR ACCIDENTS; Idiopathic livedo reticularis with systemic involvement. Identifiers: Orphanet 820, MedGen C0282492, MONDO:0008436, OMIM 182410.
Deficiency of adenosine deaminase 2. Also called: Polyarteritis nodosa, childhoood-onset; Adenosine Deaminase 2 Deficiency; VASCULITIS, AUTOINFLAMMATION, IMMUNODEFICIENCY, AND HEMATOLOGIC DEFECTS SYNDROME. Identifiers: Orphanet 404553, MedGen C3887654, MONDO:0014306, OMIM 615688, MONDO:0100317.

Allele frequency attached by ClinVar (database versions not stated): gnomAD exomes 0.00003 and 0.00002; gnomAD 0.00004 and 0.00003; TOPMed 0.00004; 1000 Genomes Project 30x 0.00016; 1000 Genomes Project 0.00020; ExAC 0.00002.
gnomAD v4.1: 31 of 1,614,176 alleles (0.0019%); highest among the groups gnomAD compares: East Asian, 0.011%; no homozygotes.

Submissions (2):

Labcorp Genetics (formerly Invitae), Labcorp
Classification: Uncertain significance for Deficiency of adenosine deaminase 2. Last evaluated: 2024-07-10. Review status: criteria provided, single submitter. Criteria: Invitae Variant Classification Sherloc (09022015). Collection method: clinical testing. Allele origin: germline.
Comment: This sequence change replaces arginine, which is basic and polar, with histidine, which is basic and polar, at codon 154 of the ADA2 protein (p.Arg154His). This variant is present in population databases (rs545602214, gnomAD 0.03%). This variant has not been reported in the literature in individuals affected with ADA2-related conditions. ClinVar contains an entry for this variant (Variation ID: 650936). Advanced modeling of protein sequence and biophysical properties (such as structural, functional, and spatial information, amino acid conservation, physicochemical variation, residue mobility, and thermodynamic stability) performed at Invitae indicates that this missense variant is not expected to disrupt ADA2 protein function with a negative predictive value of 95%. In summary, the available evidence is currently insufficient to determine the role of this variant in disease. Therefore, it has been classified as a Variant of Uncertain Significance.

Fulgent Genetics
Classification: Uncertain significance for Sneddon syndrome; Deficiency of adenosine deaminase 2. Last evaluated: 2024-02-29. Review status: criteria provided, single submitter. Criteria: ACMG Guidelines, 2015. Collection method: clinical testing. Allele origin: germline.